The following is an entry in ClinVar:

ClinVar aggregate classification (germline): Uncertain significance (1 of 4 stars; one submission).

Conditions:
Becker muscular dystrophy (BMD). Also called: MUSCULAR DYSTROPHY, PSEUDOHYPERTROPHIC PROGRESSIVE, BECKER TYPE; Becker Muscular Dystrophy (BMD). Identifiers: Orphanet 98895, MedGen C0917713, MONDO:0010311, OMIM 300376.

Submission:

Laboratory of Medical Genetics, National & Kapodistrian University of Athens
Classification: Uncertain significance for Becker muscular dystrophy. Last evaluated: 2022-12-16. Review status: criteria provided, single submitter. Criteria: ACMG Guidelines, 2015. Collection method: clinical testing. Allele origin: germline. Affected: yes.
Comment: PM2,PP3

NM_004006.3(DMD):c.9946_9947delinsAT (p.Cys3316Ile)

Gene: DMD (dystrophin; minus strand). Cytogenetic location: Xp21.2.
Variant type: Indel.
Coding change: c.9946_9947delinsAT on transcript NM_004006.3 (MANE Select); coding-DNA positions 9946 to 9947, TG replaced by AT.
Protein change: p.Cys3316Ile; replaces cysteine 3316 with isoleucine.
Molecular consequence: missense variant.
Genome position (GRCh38, 1-based): chrX:31,182,765-31,182,766, CA replaced by AT on the plus strand (TG replaced by AT on the coding strand, the reverse complement: DMD is on the minus strand). VCF-style: chrX-31182765-CA-AT. GRCh37 (hg19) VCF-style: chrX-31200882-CA-AT.
Other names: c.9922_9923delinsAT, p.Cys3308Ile (NM_000109.4); c.9934_9935delinsAT, p.Cys3312Ile (NM_004009.3); c.9577_9578delinsAT, p.Cys3193Ile (NM_004010.3); c.5923_5924delinsAT, p.Cys1975Ile (NM_004011.4); c.5914_5915delinsAT, p.Cys1972Ile (NM_004012.4); c.2566_2567delinsAT, p.Cys856Ile (NM_004013.3, NM_004020.4, NM_004021.3 and 2 more transcripts); c.1759_1760delinsAT, p.Cys587Ile (NM_004014.3); c.742_743delinsAT, p.Cys248Ile (NM_004015.3, NM_004016.3, NM_004017.3 and 2 more transcripts); and 1 more; short protein forms C1972I, C1975I, C248I, C3193I, C3308I, C3312I, C3316I, C587I.
Identifiers: ClinVar variation 1806441 (VCV001806441.1), dbSNP rs2520021459, ClinGen allele CA2580100576.